The following is an entry in ClinVar:

ClinVar aggregate classification (germline): Pathogenic/Likely pathogenic. Review status: criteria provided, multiple submitters, no conflicts (2 of 4 stars). 2 submissions from 2 submitters: Pathogenic (1); Likely pathogenic (1). Last evaluated 2024-12-04.

Conditions:
Primary ciliary dyskinesia. Also called: Ciliary dyskinesia. Identifiers: Orphanet 244, MedGen C0008780, MONDO:0016575, HP:0012265.
Primary ciliary dyskinesia 3. Identifiers: Orphanet 244, MedGen C1837618, MONDO:0012085, OMIM 608644.

Submissions (2):

Natera, Inc.
Classification: Pathogenic for Primary ciliary dyskinesia. Last evaluated: 2024-12-04. Review status: criteria provided, single submitter. Criteria: Natera Variant Classification Schema (03/2026). Collection method: clinical testing. Allele origin: germline.
Comment: The c.1089del variant in DNAH5 is a frameshift variant predicted to shift the reading frame beginning at codon 364 and leads to a stop codon 3 codons downstream. This variant is expected to result in nonsense mediated decay, truncation, or a dysfunctional protein product. This variant is rare in the general population with a frequency below the threshold expected for the associated phenotype(s). This variant has been observed in one or more individuals affected with the associated recessive disease, as either homozygous or compound heterozygous with a second variant (PMID: 37957793). Given the available evidence, this variant is classified as Pathogenic.

Beijing Key Laboratry for Genetics of Birth Defects, Beijing Children's Hospital
Classification: Likely pathogenic for Primary ciliary dyskinesia 3. Last evaluated: 2020-12-20. Review status: criteria provided, single submitter. Criteria: ACMG Guidelines, 2015. Collection method: clinical testing. Allele origin: germline. Affected: yes. Observed: 1 variant allele.

Literature cited by the submitters: PubMed 37957793 (cited by Natera, Inc.).

NM_001369.3(DNAH5):c.1090del (p.Leu364fs)

Gene: DNAH5 (dynein axonemal heavy chain 5; minus strand). Cytogenetic location: 5p15.2.
Variant type: Deletion.
Coding change: c.1090del on transcript NM_001369.3 (MANE Select); coding-DNA position 1090, one base deleted (C; older notation c.1090delC).
Protein change: p.Leu364fs; shifts the reading frame from leucine 364.
Molecular consequence: frameshift variant.
Genome position (GRCh38, 1-based): chr5:13,917,143, G deleted on the plus strand (C on the coding strand, the reverse complement: DNAH5 is on the minus strand); the first of 3 consecutive G bases (chr5:13,917,143-13,917,145); deleting any one gives the same sequence. VCF-style (leftmost placement, unchanged base first): chr5-13917142-CG-C. GRCh37 (hg19) VCF-style: chr5-13917251-CG-C.
Other names: short protein forms L364fs.
Identifiers: ClinVar variation 1012297 (VCV001012297.3), dbSNP rs1476338953, ClinGen allele CA804568603.